The following is an entry in ClinVar:

ClinVar aggregate classification (germline): Conflicting classifications of pathogenicity. Review status: criteria provided, conflicting classifications (1 of 4 stars). 2 submissions from 2 submitters: Uncertain significance (1); Likely benign (1). Last evaluated 2024-08-27.

Conditions:
Inborn genetic diseases. Identifiers: MedGen C0950123, MeSH D030342.
POGZ-related disorder. Also called: POGZ-related condition.

Allele frequency attached by ClinVar (database versions not stated): gnomAD 0.00001; TOPMed 0.00002; gnomAD exomes 0.00006.
gnomAD v4.1: 78 of 1,592,714 alleles (0.0049%); highest among the groups gnomAD compares: Non-Finnish European, 0.0066%; no homozygotes.

Submissions (2):

Ambry Genetics
Classification: Likely benign for Inborn genetic diseases. Last evaluated: 2024-08-27. Review status: criteria provided, single submitter. Criteria: Ambry Variant Classification Scheme 2023. Collection method: clinical testing. Allele origin: germline.

PreventionGenetics, part of Exact Sciences
Classification: Uncertain significance for POGZ-related condition. Last evaluated: 2023-07-12. Review status: criteria provided, single submitter. Criteria: ACMG Guidelines, 2015. Collection method: clinical testing. Allele origin: germline.
Comment: The POGZ c.2176C>G variant is predicted to result in the amino acid substitution p.Pro726Ala. To our knowledge, this variant has not been reported in the literature. This variant is reported in 0.0019% of alleles in individuals of European (Non-Finnish) descent in gnomAD. At this time, the clinical significance of this variant is uncertain due to the absence of conclusive functional and genetic evidence.

NM_015100.4(POGZ):c.2176C>G (p.Pro726Ala)

Gene: POGZ (pogo transposable element derived with ZNF domain; minus strand). Cytogenetic location: 1q21.3.
Variant type: single nucleotide variant.
Coding change: c.2176C>G on transcript NM_015100.4 (MANE Select); coding-DNA position 2176, C replaced by G.
Protein change: p.Pro726Ala; replaces proline 726 with alanine.
Molecular consequence: missense variant.
Genome position (GRCh38, 1-based): chr1:151,408,467, G>C on the plus strand (C>G on the coding strand, the complement: POGZ is on the minus strand). VCF-style: chr1-151408467-G-C. GRCh37 (hg19) VCF-style: chr1-151380943-G-C.
Other names: c.2149C>G, p.Pro717Ala (NM_001194937.2); c.1990C>G, p.Pro664Ala (NM_001194938.2); c.2197C>G, p.Pro733Ala (NM_001410860.1); c.1891C>G, p.Pro631Ala (NM_145796.4); c.2017C>G, p.Pro673Ala (NM_207171.2); short protein forms P631A, P664A, P673A, P717A, P726A, P733A.
Identifiers: ClinVar variation 2635984 (VCV002635984.2), dbSNP rs890324171, ClinGen allele CA29571119.